The following is an entry in ClinVar:

ClinVar aggregate classification (germline): Uncertain significance (1 of 4 stars; one submission).

Conditions:
Hereditary cancer-predisposing syndrome. Also called: Tumor predisposition; Neoplastic Syndromes, Hereditary; Hereditary neoplastic syndrome; Hereditary Cancer Syndrome. Identifiers: Orphanet 140162, MedGen C0027672, MeSH D009386, MONDO:0015356.

Submission:

Ambry Genetics
Classification: Uncertain significance for Hereditary cancer-predisposing syndrome. Last evaluated: 2024-11-15. Review status: criteria provided, single submitter. Criteria: Ambry Variant Classification Scheme 2023. Collection method: clinical testing. Allele origin: germline.
Comment: The p.E353G variant (also known as c.1058A>G), located in coding exon 8 of the SDHA gene, results from an A to G substitution at nucleotide position 1058. The glutamic acid at codon 353 is replaced by glycine, an amino acid with similar properties. This alteration was identified in an individual diagnosed with a paraganglioma (Ma X et al. Front Endocrinol (Lausanne), 2020 Dec;11:574662). This amino acid position is highly conserved in available vertebrate species. In addition, this alteration is predicted to be deleterious by in silico analysis. Based on the available evidence, the clinical significance of this variant remains unclear.

Literature cited by the submitters: PubMed 33362715.

NM_004168.4(SDHA):c.1058A>G (p.Glu353Gly)

Gene: SDHA (succinate dehydrogenase complex flavoprotein subunit A; plus strand). Cytogenetic location: 5p15.33.
Variant type: single nucleotide variant.
Coding change: c.1058A>G on transcript NM_004168.4 (MANE Select); coding-DNA position 1058, A replaced by G.
Protein change: p.Glu353Gly; replaces glutamic acid 353 with glycine.
Molecular consequence: missense variant.
Genome position (GRCh38, 1-based): chr5:233,639, A>G. VCF-style: chr5-233639-A-G. GRCh37 (hg19) VCF-style: chr5-233754-A-G.
Other names: c.914A>G, p.Glu305Gly (NM_001294332.2); c.1058A>G, p.Glu353Gly (NM_001330758.2); short protein forms E353G, E305G.
Identifiers: ClinVar variation 3438707 (VCV003438707.1).